The following is an entry in ClinVar:

NM_000540.3(RYR1):c.2780C>T (p.Thr927Met)

Gene: RYR1 (ryanodine receptor 1; plus strand). Cytogenetic location: 19q13.2.
Variant type: single nucleotide variant.
Coding change: c.2780C>T on transcript NM_000540.3 (MANE Select); coding-DNA position 2780, C replaced by T.
Protein change: p.Thr927Met; replaces threonine 927 with methionine.
Molecular consequence: missense variant.
Genome position (GRCh38, 1-based): chr19:38,463,844, C>T. VCF-style: chr19-38463844-C-T. GRCh37 (hg19) VCF-style: chr19-38954484-C-T.
Other names: c.2780C>T, p.Thr927Met (NM_001042723.2); short protein forms T927M.
Identifiers: ClinVar variation 968662 (VCV000968662.10), dbSNP rs751728775, ClinGen allele CA063941.
Genomic context (GRCh38, chr19:38,463,844, plus strand): 5'-TGGACTTCCACAGCCTTCCAGAGCCTGAGAGGAACTACAACCTGCAGATGTCTGGGGAGA[C>T]GCTCAAGTGAGGGCCCAGGGGAGCCGGGGGTTGGGGCTGGCTGCTGGTGCGGTGGGGGAG-3'
Protein context (NP_000531.2, residues 917-937): RNYNLQMSGE[Thr927Met]LKTLLALGCH

ClinVar aggregate classification (germline): Uncertain significance. Review status: criteria provided, multiple submitters, no conflicts (2 of 4 stars). 5 submissions from 5 submitters: Uncertain significance (5). Last evaluated 2025-06-27.

Conditions:
Inborn genetic diseases. Identifiers: MedGen C0950123, MeSH D030342.
Congenital multicore myopathy with external ophthalmoplegia (CMYO1B). Also called: Congenital myopathy 1B, autosomal recessive; Minicore myopathy; Minicore myopathy with external ophthalmoplegia; MULTICORE MYOPATHY; MULTIMINICORE DISEASE WITH EXTERNAL OPHTHALMOPLEGIA. Identifiers: Orphanet 598, Orphanet 98905, MedGen C1850674, MONDO:0009712, OMIM 255320, HP:0003789.
King Denborough syndrome (KDS). Identifiers: MedGen C1840365, MONDO:0020485, OMIM 619542.
Malignant hyperthermia, susceptibility to, 1 (MHS1). Also called: Anesthesia related hyperthermia; Malignant hyperpyrexia; Fulminating hyperpyrexia; Pharmacogenic myopathy; Malignant hyperthermia suceptibility 1; RYR1-Related Malignant Hyperthermia Susceptibility. Identifiers: Orphanet 423, MedGen C2930980, MONDO:0007783, OMIM 145600.
Congenital myopathy with fiber type disproportion. Also called: Congenital fiber-type disproportion myopathy; Congenital fiber-type disproportion. Identifiers: Orphanet 2020, MedGen C0546264, MONDO:0009711. Inheritance: all.
Central core myopathy (CMYO1A). Also called: CONGENITAL MYOPATHY 1A, AUTOSOMAL DOMINANT, WITH SUSCEPTIBILITY TO MALIGNANT HYPERTHERMIA; Central core disease; Myopathy, central fibrillar. Identifiers: Orphanet 597, MedGen C5830701, MONDO:0007294, OMIM 117000.
RYR1-related disorder. Also called: RYR1-related condition; RYR1-related disorders. Identifiers: MedGen CN239331.

Allele frequency attached by ClinVar (database versions not stated): gnomAD exomes 0.00001 and 0.00002; TOPMed 0.00001; ExAC 0.00002.
gnomAD v4.1: 17 of 1,613,062 alleles (0.0011%); highest among the groups gnomAD compares: South Asian, 0.0077%; no homozygotes.

Submissions (5):

Labcorp Genetics (formerly Invitae), Labcorp
Classification: Uncertain significance for RYR1-related disorder. Last evaluated: 2025-06-27. Review status: criteria provided, single submitter. Criteria: Invitae Variant Classification Sherloc (09022015). Collection method: clinical testing. Allele origin: germline.
Comment: This sequence change replaces threonine, which is neutral and polar, with methionine, which is neutral and non-polar, at codon 927 of the RYR1 protein (p.Thr927Met). This variant is present in population databases (rs751728775, gnomAD 0.01%). This variant has not been reported in the literature in individuals affected with RYR1-related conditions. ClinVar contains an entry for this variant (Variation ID: 968662). Invitae Evidence Modeling of protein sequence and biophysical properties (such as structural, functional, and spatial information, amino acid conservation, physicochemical variation, residue mobility, and thermodynamic stability) indicates that this missense variant is expected to disrupt RYR1 protein function with a positive predictive value of 95%. In summary, the available evidence is currently insufficient to determine the role of this variant in disease. Therefore, it has been classified as a Variant of Uncertain Significance.

Blueprint Genetics
Classification: Uncertain significance. Last evaluated: 2024-11-18. Review status: criteria provided, single submitter. Criteria: ACMG Guidelines, 2015. Collection method: clinical testing. Allele origin: germline.

Color Diagnostics, LLC DBA Color Health
Classification: Uncertain significance for Malignant hyperthermia, susceptibility to, 1. Last evaluated: 2024-03-13. Review status: criteria provided, single submitter. Criteria: ACMG Guidelines, 2015. Collection method: clinical testing. Allele origin: germline.
Comment: This missense variant replaces threonine with methionine at codon 927 of the RYR1 protein. Computational prediction suggests that this variant may have deleterious impact on protein structure and function. To our knowledge, functional studies have not been reported for this variant. This variant has not been reported in individuals affected with RYR1-related disorders in the literature. This variant has been identified in 7/282430 chromosomes in the general population by the Genome Aggregation Database (gnomAD). The available evidence is insufficient to determine the role of this variant in disease conclusively. Therefore, this variant is classified as a Variant of Uncertain Significance.

Ambry Genetics
Classification: Uncertain significance for Inborn genetic diseases. Last evaluated: 2024-01-24. Review status: criteria provided, single submitter. Criteria: Ambry Variant Classification Scheme 2023. Collection method: clinical testing. Allele origin: germline.

Fulgent Genetics
Classification: Uncertain significance for Central core myopathy; Malignant hyperthermia, susceptibility to, 1; Congenital myopathy 4A, autosomal dominant; Congenital multicore myopathy with external ophthalmoplegia; King Denborough syndrome. Last evaluated: 2021-09-17. Review status: criteria provided, single submitter. Criteria: ACMG Guidelines, 2015. Collection method: clinical testing. Allele origin: unknown.